The following is an entry in ClinVar:

NM_002485.5(NBN):c.73G>A (p.Val25Ile)

Gene: NBN (nibrin; minus strand). Cytogenetic location: 8q21.3.
Variant type: single nucleotide variant.
Coding change: c.73G>A on transcript NM_002485.5 (MANE Select); coding-DNA position 73, G replaced by A.
Protein change: p.Val25Ile; replaces valine 25 with isoleucine.
Molecular consequence: missense variant. On other transcripts: 5 prime UTR variant (1).
Genome position (GRCh38, 1-based): chr8:89,982,820, C>T on the plus strand (G>A on the coding strand, the complement: NBN is on the minus strand). VCF-style: chr8-89982820-C-T. GRCh37 (hg19) VCF-style: chr8-90995048-C-T.
Other names: p.V25I:GTT>ATT; c.-224G>A (NM_001024688.3); short protein forms V25I.
Identifiers: ClinVar variation 141440 (VCV000141440.38), dbSNP rs587781748, ClinGen allele CA294139.

ClinVar aggregate classification (germline): Conflicting classifications of pathogenicity. Review status: criteria provided, conflicting classifications (1 of 4 stars). 10 submissions from 10 submitters: Uncertain significance (8); Likely benign (1). 1 of the submissions does not count toward it. Last evaluated 2025-08-29.

Conditions:
Hereditary cancer-predisposing syndrome. Also called: Tumor predisposition; Hereditary Cancer Syndrome; Neoplastic Syndromes, Hereditary; Hereditary neoplastic syndrome. Identifiers: Orphanet 140162, MedGen C0027672, MeSH D009386, MONDO:0015356.
Microcephaly, normal intelligence and immunodeficiency (NBS). Also called: IMMUNODEFICIENCY, MICROCEPHALY, AND CHROMOSOMAL INSTABILITY; BERLIN BREAKAGE SYNDROME; Immunodeficiency, microcephaly with normal intelligence; Ataxia telangiectasia variant V1; Nijmegen breakage syndrome; Microcephaly with normal intelligence immunodeficiency and lymphoreticular malignancies. Identifiers: Orphanet 647, MedGen C0398791, MONDO:0009623, OMIM 251260.

Allele frequency attached by ClinVar (database versions not stated): TOPMed 0.00001; ExAC 0.00002; gnomAD exomes 0.00004.
gnomAD v4.1: 26 of 1,613,562 alleles (0.0016%); highest among the groups gnomAD compares: South Asian, 0.011%; no homozygotes.

Submissions (10):

Quest Diagnostics Nichols Institute San Juan Capistrano
Classification: Uncertain significance. Last evaluated: 2025-08-29. Review status: criteria provided, single submitter. Criteria: Quest Diagnostics criteria. Collection method: clinical testing. Allele origin: unknown.
Comment: The NBN c.73G>A (p.Val25Ile) variant has been reported in the published literature in individuals with breast (PMID: 29522266 (2018)) and ovarian cancer (PMID: 26315354 (2015)). The frequency of this variant in the general population (Genome Aggregation Database) is uninformative in the assessment of its pathogenicity. Analysis of this variant using bioinformatics tools for the prediction of the effect of amino acid changes on protein structure and function yielded predictions that this variant is benign. Based on the available information, we are unable to determine the clinical significance of this variant.

ARUP Laboratories, Molecular Genetics and Genomics, ARUP Laboratories
Classification: Uncertain significance. Last evaluated: 2025-05-23. Review status: criteria provided, single submitter. Criteria: ARUP Molecular Germline Variant Investigation Process 2024. Collection method: clinical testing. Allele origin: germline.
Comment: The NBN c.73G>A; p.Val25Ile variant (rs587781748, ClinVar Variation ID 141440) is reported in the literature in one individual affected with ovarian cancer (Ramus 2015). This variant is found in the South Asian population with an allele frequency of 0.013% (4/30610 alleles) in the Genome Aggregation Database (v2.1.1). Computational analyses are uncertain whether this variant is neutral or deleterious (REVEL: 0.294). Due to limited information, the clinical significance of this variant is uncertain at this time. References: Ramus et al. Germline Mutations in the BRIP1, BARD1, PALB2, and NBN Genes in Women With Ovarian Cancer. J Natl Cancer Inst. 2015 Aug 27;107(11):djv214. PMID: 26315354

Women's Health and Genetics/Laboratory Corporation of America, LabCorp
Classification: Uncertain significance. Last evaluated: 2023-09-21. Review status: criteria provided, single submitter. Criteria: LabCorp Variant Classification Summary - May 2015. Collection method: clinical testing. Allele origin: germline.
Comment: Variant summary: NBN c.73G>A (p.Val25Ile) results in a conservative amino acid change located in the forkhead-associated (FHA) domain (IPR000253) of the encoded protein sequence. Four of five in-silico tools predict a benign effect of the variant on protein function. The variant allele was found at a frequency of 4.4e-05 in 251378 control chromosomes (gnomAD). This frequency is not significantly higher than estimated for a pathogenic variant in NBN causing Hereditary Breast And Ovarian Cancer Syndrome (4.4e-05 vs 0.00013), allowing no conclusion about variant significance. c.73G>A has been reported in the literature in an individual affected with ovarian cancer (Ramus_2015). However, this report does not provide unequivocal conclusions about association of the variant with Hereditary Breast And Ovarian Cancer Syndrome. To our knowledge, no experimental evidence demonstrating an impact on protein function has been reported. The following publication has been ascertained in the context of this evaluation (PMID: 26315354). Eight submitters have cited clinical-significance assessments for this variant to ClinVar after 2014 and classified the variant as either VUS (n=6) or likely benign (n=2). Based on the evidence outlined above, the variant was classified as uncertain significance.

GeneDx
Classification: Uncertain significance. Last evaluated: 2023-04-19. Review status: criteria provided, single submitter. Criteria: GeneDx Variant Classification Process June 2021. Collection method: clinical testing. Allele origin: germline. Affected: yes.
Comment: In silico analysis supports that this missense variant does not alter protein structure/function; This variant is associated with the following publications: (PMID: 26315354, 29522266, 27060854, 24894818)

Labcorp Genetics (formerly Invitae), Labcorp
Classification: Uncertain significance for Microcephaly, normal intelligence and immunodeficiency. Last evaluated: 2022-10-25. Review status: criteria provided, single submitter. Criteria: Invitae Variant Classification Sherloc (09022015). Collection method: clinical testing. Allele origin: germline.
Comment: This sequence change replaces valine, which is neutral and non-polar, with isoleucine, which is neutral and non-polar, at codon 25 of the NBN protein (p.Val25Ile). This variant is present in population databases (rs587781748, gnomAD 0.01%). This missense change has been observed in individual(s) with ovarian cancer (PMID: 26315354). ClinVar contains an entry for this variant (Variation ID: 141440). Algorithms developed to predict the effect of missense changes on protein structure and function output the following: SIFT: "Tolerated"; PolyPhen-2: "Benign"; Align-GVGD: "Class C0". The isoleucine amino acid residue is found in multiple mammalian species, which suggests that this missense change does not adversely affect protein function. In summary, the available evidence is currently insufficient to determine the role of this variant in disease. Therefore, it has been classified as a Variant of Uncertain Significance.

Genome-Nilou Lab
Classification: Uncertain significance for Microcephaly, normal intelligence and immunodeficiency. Last evaluated: 2021-11-07. Review status: criteria provided, single submitter. Criteria: ACMG Guidelines, 2015. Collection method: clinical testing. Allele origin: germline. Affected: no.

Institute for Clinical Genetics, University Hospital TU Dresden, University Hospital TU Dresden
Classification: Uncertain significance. Last evaluated: 2021-11-03. Review status: criteria provided, single submitter. Criteria: ACMG Guidelines, 2015. Collection method: clinical testing. Allele origin: germline.

Blueprint Genetics
Classification: Uncertain significance. Last evaluated: 2020-10-13. Review status: criteria provided, single submitter. Criteria: ACMG Guidelines, 2015. Collection method: clinical testing. Allele origin: germline.

Ambry Genetics
Classification: Likely benign for Hereditary cancer-predisposing syndrome. Last evaluated: 2018-07-13. Review status: criteria provided, single submitter. Criteria: Ambry Variant Classification Scheme 2023. Collection method: clinical testing. Allele origin: germline.

Counsyl
Classification: Uncertain significance for Microcephaly, normal intelligence and immunodeficiency. Last evaluated: 2018-02-27. Review status: no assertion criteria provided. Collection method: clinical testing. Allele origin: unknown. Not counted in ClinVar's aggregate classification.

Literature cited by the submitters: PubMed 29522266 (cited by Quest Diagnostics Nichols Institute San Juan Capistrano); PubMed 26315354 (cited by 3 submitters).